The following is an entry in ClinVar:

NM_004360.5(CDH1):c.1300G>C (p.Gly434Arg)

Gene: CDH1 (cadherin 1; plus strand). Cytogenetic location: 16q22.1.
Variant type: single nucleotide variant.
Coding change: c.1300G>C on transcript NM_004360.5 (MANE Select); coding-DNA position 1300, G replaced by C.
Protein change: p.Gly434Arg; replaces glycine 434 with arginine.
Molecular consequence: missense variant. On other transcripts: 5 prime UTR variant (2), intron variant (1).
Genome position (GRCh38, 1-based): chr16:68,813,475, G>C. VCF-style: chr16-68813475-G-C. GRCh37 (hg19) VCF-style: chr16-68847378-G-C.
Other names: c.1300G>C (LRG_301t1); c.-316G>C (NM_001317185.2); c.-520G>C (NM_001317186.2); c.1137+1212G>C (NM_001317184.2); short protein forms G434R.
Identifiers: ClinVar variation 141484 (VCV000141484.30), dbSNP rs587781783, ClinGen allele CA165582.
Genomic context (GRCh38, chr16:68,813,475, plus strand): 5'-ACCATATTGAATGATGATGGTGGACAATTTGTCGTCACCACAAATCCAGTGAACAACGAT[G>C]GCATTTTGAAAACAGCAAAGGTTTGTATGGTACCTGGCAAGATGCAGAAACTGGCATCCT-3'
Protein context (NP_004351.1, residues 424-444): VVTTNPVNND[Gly434Arg]ILKTAKGLDF

ClinVar aggregate classification (germline): Uncertain significance. Review status: criteria provided, multiple submitters, no conflicts (2 of 4 stars). 9 submissions from 9 submitters: Uncertain significance (8). 1 of the submissions does not count toward it. Last evaluated 2026-03-06.

Conditions:
CDH1-related disorder. Also called: CDH1-related condition.
Hereditary cancer-predisposing syndrome. Also called: Tumor predisposition; Neoplastic Syndromes, Hereditary; Hereditary neoplastic syndrome; Hereditary Cancer Syndrome. Identifiers: Orphanet 140162, MedGen C0027672, MeSH D009386, MONDO:0015356.
Hereditary diffuse gastric adenocarcinoma (HDGC). Also called: DIFFUSE GASTRIC AND LOBULAR BREAST CANCER SYNDROME. Identifiers: Orphanet 26106, MedGen C1708349, MONDO:0007648, OMIM 137215.

Allele frequency attached by ClinVar (database versions not stated): gnomAD exomes 0.00001; TOPMed 0.00001; gnomAD 0.00002.
gnomAD v4.1: 7 of 1,614,058 alleles (0.00043%); highest among the groups gnomAD compares: Non-Finnish European, 0.00051%; no homozygotes.

Submissions (9):

Ambry Genetics
Classification: Uncertain significance for Hereditary cancer-predisposing syndrome. Last evaluated: 2026-03-06. Review status: criteria provided, single submitter. Criteria: Ambry Variant Classification Scheme 2023. Collection method: clinical testing. Allele origin: germline.
Comment: The p.G434R variant (also known as c.1300G>C), located in coding exon 9 of the CDH1 gene, results from a G to C substitution at nucleotide position 1300. The glycine at codon 434 is replaced by arginine, an amino acid with dissimilar properties. This variant was detected as heterozygous in individual(s) with no reported features of CDH1-related diffuse gastric and lobular breast cancer (Ambry internal data). This amino acid position is highly conserved in available vertebrate species. In addition, this alteration is predicted to be deleterious by in silico analysis. Based on the available evidence, the clinical significance of this variant remains unclear.

Labcorp Genetics (formerly Invitae), Labcorp
Classification: Uncertain significance for Hereditary diffuse gastric adenocarcinoma. Last evaluated: 2026-01-11. Review status: criteria provided, single submitter. Criteria: Invitae Variant Classification Sherloc (09022015). Collection method: clinical testing. Allele origin: germline.
Comment: This sequence change replaces glycine, which is neutral and non-polar, with arginine, which is basic and polar, at codon 434 of the CDH1 protein (p.Gly434Arg). This variant is present in population databases (rs587781783, gnomAD 0.007%). This missense change has been observed in individual(s) with cancer (not specified) and gastric cancer (PMID: 34326862, 36833207). ClinVar contains an entry for this variant (Variation ID: 141484). An algorithm developed to predict the effect of missense changes on protein structure and function (PolyPhen-2) suggests that this variant is likely to be disruptive. In summary, the available evidence is currently insufficient to determine the role of this variant in disease. Therefore, it has been classified as a Variant of Uncertain Significance.

Quest Diagnostics Nichols Institute San Juan Capistrano
Classification: Uncertain significance. Last evaluated: 2025-10-30. Review status: criteria provided, single submitter. Criteria: Quest Diagnostics criteria. Collection method: clinical testing. Allele origin: unknown.
Comment: The CDH1 c.1300G>C (p.Gly434Arg) variant has been reported in the published literature in an individual with gastric cancer and co-occurring with a pathogenic variant, c.1320+1G>A (PMID: 36833207 (2023)), and in an individual with unspecified cancer (PMID: 34326862 (2021)). The frequency of this variant in the general population (Genome Aggregation Database) is uninformative in the assessment of its pathogenicity. Analysis of this variant using bioinformatics tools for the prediction of the effect of amino acid changes on protein structure and function yielded predictions that this variant is damaging. Based on the available information, we are unable to determine the clinical significance of this variant.

PreventionGenetics, part of Exact Sciences
Classification: Uncertain significance for CDH1-related condition. Last evaluated: 2025-04-07. Review status: criteria provided, single submitter. Criteria: ACMG Guidelines, 2015. Collection method: clinical testing. Allele origin: germline.
Comment: The CDH1 c.1300G>C variant is predicted to result in the amino acid substitution p.Gly434Arg. This variant has been reported in two individuals with breast or gastric cancer (Table S4, Bhai et al. 2021. PubMed ID: 34326862; Nurgalieva et al. 2023. PubMed ID: 36833207). This variant is reported in 0.0065% of alleles in individuals of European (non-Finnish) descent in gnomAD and it is classified as uncertain by other institutions in ClinVar. At this time, the clinical significance of this variant is uncertain due to the absence of conclusive functional and genetic evidence.

GeneDx
Classification: Uncertain significance. Last evaluated: 2025-02-12. Review status: criteria provided, single submitter. Criteria: GeneDx Variant Classification Process June 2021. Collection method: clinical testing. Allele origin: germline. Affected: yes.
Comment: Not observed at significant frequency in large population cohorts (gnomAD); In silico analysis supports that this missense variant has a deleterious effect on protein structure/function; Reported in an individual with an unspecified cancer type and in a patient with gastric adenocarcinoma in published literature (PMID: 34326862, 36833207); This variant is associated with the following publications: (PMID: 34326862, 15235021, 22850631, 36833207)

Institute for Biomarker Research, Medical Diagnostic Laboratories, L.L.C.
Classification: Uncertain significance for Hereditary cancer-predisposing syndrome. Last evaluated: 2024-03-22. Review status: criteria provided, single submitter. Criteria: ACMG Guidelines, 2015. Collection method: clinical testing. Allele origin: germline.

Color Diagnostics, LLC DBA Color Health
Classification: Uncertain significance for Hereditary cancer-predisposing syndrome. Last evaluated: 2023-08-16. Review status: criteria provided, single submitter. Criteria: ACMG Guidelines, 2015. Collection method: clinical testing. Allele origin: germline.
Comment: This missense variant replaces glycine with arginine at codon 434 of the CDH1 protein. To our knowledge, functional studies have not been reported for this variant. This variant has been reported in an individual affected gastric cancer (PMID: 36833207), as well as in individual(s) age 70 years or older without cancer. This variant has been identified in 1/31406 chromosomes in the general population by the Genome Aggregation Database (gnomAD). The available evidence is insufficient to determine the role of this variant in disease conclusively. Therefore, this variant is classified as a Variant of Uncertain Significance.

Myriad Genetics, Inc.
Classification: Uncertain significance for Hereditary diffuse gastric adenocarcinoma. Last evaluated: 2023-03-06. Review status: criteria provided, single submitter. Criteria: Myriad Autosomal Dominant, Autosomal Recessive and X-Linked Classification Criteria (2023). Collection method: clinical testing. Allele origin: unknown.
Comment: This variant is classified as a variant of uncertain significance as there is insufficient evidence to determine its impact on protein function and/or cancer risk.

Counsyl
Classification: Uncertain significance for Hereditary diffuse gastric adenocarcinoma. Last evaluated: 2017-07-13. Review status: no assertion criteria provided. Collection method: clinical testing. Allele origin: unknown. Not counted in ClinVar's aggregate classification.

Literature cited by the submitters: PubMed 34326862 (cited by Labcorp Genetics (formerly Invitae), Labcorp and Quest Diagnostics Nichols Institute San Juan Capistrano); PubMed 36833207 (cited by 3 submitters).